The following is an entry in ClinVar:

ClinVar aggregate classification (germline): Uncertain significance. Review status: criteria provided, multiple submitters, no conflicts (2 of 4 stars). 5 submissions from 5 submitters: Uncertain significance (5). Last evaluated 2025-12-05.

Conditions:
Inborn genetic diseases. Identifiers: MedGen C0950123, MeSH D030342.
Multiple congenital anomalies-hypotonia-seizures syndrome 1 (MCAHS1). Also called: Congenital disorder of glycosylation due to PIGN deficiency; PIGN-CDG; GLYCOSYLPHOSPHATIDYLINOSITOL BIOSYNTHESIS DEFECT 3. Identifiers: Orphanet 280633, MedGen C3279775, MONDO:0013563, OMIM 614080.

Allele frequency attached by ClinVar (database versions not stated): TOPMed 0.00003; gnomAD 0.00006; ESP Exome Variant Server 0.00008; 1000 Genomes Project 30x 0.00016; 1000 Genomes Project 0.00020.

Submissions (5):

GeneDx
Classification: Uncertain significance. Last evaluated: 2025-12-05. Review status: criteria provided, single submitter. Criteria: GeneDx Variant Classification Process June 2021. Collection method: clinical testing. Allele origin: germline. Affected: yes.
Comment: Identified with additional PIGN variants on the same allele (in cis) and on the opposite allele (in trans) in a patient with seizures, hypotonia, dysmorphic features, and abnormal brain MRI (PMID: 32220244); Not observed at significant frequency in large population cohorts (gnomAD); In silico analysis supports that this missense variant has a deleterious effect on protein structure/function; This variant is associated with the following publications: (PMID: 34426522, 35322241, 32220244, 38256219, 38456468)

Blueprint Genetics
Classification: Uncertain significance. Last evaluated: 2024-11-28. Review status: criteria provided, single submitter. Criteria: ACMG Guidelines, 2015. Collection method: clinical testing. Allele origin: germline.

Labcorp Genetics (formerly Invitae), Labcorp
Classification: Uncertain significance for Multiple congenital anomalies-hypotonia-seizures syndrome 1. Last evaluated: 2022-10-24. Review status: criteria provided, single submitter. Criteria: Invitae Variant Classification Sherloc (09022015). Collection method: clinical testing. Allele origin: germline.
Comment: This sequence change replaces arginine, which is basic and polar, with histidine, which is basic and polar, at codon 565 of the PIGN protein (p.Arg565His). This variant is present in population databases (rs201835155, gnomAD 0.01%). This missense change has been observed in individual(s) with PIGN-related disease (PMID: 32220244). ClinVar contains an entry for this variant (Variation ID: 472213). Advanced modeling of protein sequence and biophysical properties (such as structural, functional, and spatial information, amino acid conservation, physicochemical variation, residue mobility, and thermodynamic stability) performed at Invitae indicates that this missense variant is expected to disrupt PIGN protein function. In summary, the available evidence is currently insufficient to determine the role of this variant in disease. Therefore, it has been classified as a Variant of Uncertain Significance.

Baylor Genetics
Classification: Uncertain significance for Multiple congenital anomalies-hypotonia-seizures syndrome 1. Last evaluated: 2018-04-10. Review status: criteria provided, single submitter. Criteria: ACMG Guidelines, 2015. Collection method: clinical testing. Allele origin: unknown. Affected: yes.
Comment: This variant was determined to be of uncertain significance according to ACMG Guidelines, 2015 [PMID:25741868].

Ambry Genetics
Classification: Uncertain significance for Inborn genetic diseases. Last evaluated: 2016-09-02. Review status: criteria provided, single submitter. Criteria: Ambry Variant Classification Scheme 2023. Collection method: clinical testing. Allele origin: germline.
Comment: The p.R565H variant (also known as c.1694G>A), located in coding exon 16 of the PIGN gene, results from a G to A substitution at nucleotide position 1694. The arginine at codon 565 is replaced by histidine, an amino acid with highly similar properties. This variant was previously reported in the SNPDatabase as rs201835155. Based on data from the NHLBI Exome Sequencing Project (ESP), the A allele has an overall frequency of approximately 0.01% (1/11946) total alleles studied and 0.01% (1/8198) European American alleles. Allele frequency data for this nucleotide position is not currently available from the 1000 Genomes Project. This amino acid position is highly conserved in available vertebrate species. In addition, this alteration is predicted to be deleterious by in silico analysis. Since supporting evidence is limited at this time, the clinical significance of this variant remains unclear.

Literature cited by the submitters: PubMed 32220244 (cited by Labcorp Genetics (formerly Invitae), Labcorp).

NM_176787.5(PIGN):c.1694G>A (p.Arg565His)

Gene: PIGN (phosphatidylinositol glycan anchor biosynthesis class N; minus strand). Cytogenetic location: 18q21.33.
Variant type: single nucleotide variant.
Coding change: c.1694G>A on transcript NM_176787.5 (MANE Select); coding-DNA position 1694, G replaced by A.
Protein change: p.Arg565His; replaces arginine 565 with histidine.
Molecular consequence: missense variant.
Genome position (GRCh38, 1-based): chr18:62,106,862, C>T on the plus strand (G>A on the coding strand, the complement: PIGN is on the minus strand). VCF-style: chr18-62106862-C-T. GRCh37 (hg19) VCF-style: chr18-59774095-C-T.
Other names: c.1694G>A, p.Arg565His (NM_012327.6); short protein forms R565H.
Identifiers: ClinVar variation 472213 (VCV000472213.18), dbSNP rs201835155, ClinGen allele CA8982197.